The following is an entry in ClinVar:

NM_004991.4(MECOM):c.505G>A (p.Asp169Asn)

Gene: MECOM (MDS1 and EVI1 complex locus; minus strand). Cytogenetic location: 3q26.2.
Variant type: single nucleotide variant.
Coding change: c.505G>A on transcript NM_004991.4 (MANE Select); coding-DNA position 505, G replaced by A.
Protein change: p.Asp169Asn; replaces aspartic acid 169 with asparagine.
Molecular consequence: missense variant. On other transcripts: 5 prime UTR variant (12).
Genome position (GRCh38, 1-based): chr3:169,143,703, C>T on the plus strand (G>A on the coding strand, the complement: MECOM is on the minus strand). VCF-style: chr3-169143703-C-T. GRCh37 (hg19) VCF-style: chr3-168861491-C-T.
Other names: c.133G>A, p.Asp45Asn (NM_001105077.4); c.-60G>A (NM_001105078.4, NM_001163999.2, NM_001164000.2 and 9 more transcripts); c.505G>A, p.Asp169Asn (NM_001366466.2, NM_001366473.2); short protein forms D45N, D169N.
Identifiers: ClinVar variation 4105818 (VCV004105818.1).

ClinVar aggregate classification (germline): Uncertain significance (1 of 4 stars; one submission).

Conditions:
Inborn genetic diseases. Identifiers: MedGen C0950123, MeSH D030342.

Submission:

Ambry Genetics
Classification: Uncertain significance for Inborn genetic diseases. Last evaluated: 2025-08-02. Review status: criteria provided, single submitter. Criteria: Ambry Variant Classification Scheme 2023. Collection method: clinical testing. Allele origin: germline.
Comment: The p.D169N variant (also known as c.505G>A), located in coding exon 3 of the MECOM gene, results from a G to A substitution at nucleotide position 505. The aspartic acid at codon 169 is replaced by asparagine, an amino acid with highly similar properties. This amino acid position is conserved. In addition, this alteration is predicted to be tolerated by in silico analysis. Based on the available evidence, the clinical significance of this variant remains unclear.